The following is an entry in ClinVar:

ClinVar aggregate classification (germline): Pathogenic (1 of 4 stars; one submission).

Submission:

Labcorp Genetics (formerly Invitae), Labcorp
Classification: Pathogenic. Last evaluated: 2024-08-14. Review status: criteria provided, single submitter. Criteria: Invitae Variant Classification Sherloc (09022015). Collection method: clinical testing. Allele origin: germline.
Comment: This sequence change creates a premature translational stop signal (p.Gln233Profs*21) in the TCF3 gene. It is expected to result in an absent or disrupted protein product. Loss-of-function variants in TCF3 are known to be pathogenic (PMID: 24216514, 30063982, 37277074). This variant is not present in population databases (gnomAD no frequency). This variant has not been reported in the literature in individuals affected with TCF3-related conditions. For these reasons, this variant has been classified as Pathogenic.

Literature cited by the submitters: PubMed 24216514; PubMed 30063982; PubMed 37277074.

NM_003200.5(TCF3):c.692dup (p.Gln233fs)

Gene: TCF3 (transcription factor 3; minus strand). Cytogenetic location: 19p13.3.
Variant type: Duplication.
Coding change: c.692dup on transcript NM_003200.5 (MANE Select); coding-DNA position 692, one base duplicated (C; older notation c.692dupC).
Protein change: p.Gln233fs; shifts the reading frame from glutamine 233.
Molecular consequence: frameshift variant.
Genome position (GRCh38, 1-based): chr19:1,622,184, G duplicated on the plus strand (C on the coding strand, the reverse complement: TCF3 is on the minus strand); the first of 5 consecutive G bases (chr19:1,622,184-1,622,188); duplicating any one gives the same sequence. VCF-style (leftmost placement, unchanged base first): chr19-1622183-C-CG. GRCh37 (hg19) VCF-style: chr19-1622182-C-CG.
Other names: c.692dup, p.Gln233fs (NM_001136139.4, NM_001351778.2, NM_001351779.2); short protein forms Q233fs.
Identifiers: ClinVar variation 2869183 (VCV002869183.3), dbSNP rs2513664406, ClinGen allele CA2583027500.
Genomic context (GRCh38, chr19:1,622,183, plus strand): 5'-GGGCGGGAGGGGCAGCGGGGATGAGCCCCCACCCAGCATGGGCCCGAAGCCCGCCTGGCC[C>CG]GGGGGACTCCAGAGCTCGGCTGAGGGGTGCAGGCTGCCATCTGTGGAGGGGAGCTGGTAA-3'